The following is an entry in ClinVar:

NM_033004.4(NLRP1):c.1329G>T (p.Leu443Phe)

Gene: NLRP1 (NLR family pyrin domain containing 1; minus strand). Cytogenetic location: 17p13.2.
Variant type: single nucleotide variant.
Coding change: c.1329G>T on transcript NM_033004.4 (MANE Select); coding-DNA position 1329, G replaced by T.
Protein change: p.Leu443Phe; replaces leucine 443 with phenylalanine.
Molecular consequence: missense variant.
Genome position (GRCh38, 1-based): chr17:5,559,367, C>A on the plus strand (G>T on the coding strand, the complement: NLRP1 is on the minus strand). VCF-style: chr17-5559367-C-A. GRCh37 (hg19) VCF-style: chr17-5462687-C-A.
Other names: c.1329G>T, p.Leu443Phe (NM_033006.4, NM_033007.4, NM_001033053.3 and 1 more transcripts); short protein forms L443F.
Identifiers: ClinVar variation 2753067 (VCV002753067.3), dbSNP rs2507939839, ClinGen allele CA397386112.

ClinVar aggregate classification (germline): Uncertain significance (1 of 4 stars; one submission).

Submission:

Labcorp Genetics (formerly Invitae), Labcorp
Classification: Uncertain significance. Last evaluated: 2023-08-16. Review status: criteria provided, single submitter. Criteria: Invitae Variant Classification Sherloc (09022015). Collection method: clinical testing. Allele origin: germline.
Comment: In summary, the available evidence is currently insufficient to determine the role of this variant in disease. Therefore, it has been classified as a Variant of Uncertain Significance. Algorithms developed to predict the effect of missense changes on protein structure and function output the following: SIFT: "Not Available"; PolyPhen-2: "Probably Damaging"; Align-GVGD: "Not Available". The phenylalanine amino acid residue is found in multiple mammalian species, which suggests that this missense change does not adversely affect protein function. This variant has not been reported in the literature in individuals affected with NLRP1-related conditions. This variant is not present in population databases (gnomAD no frequency). This sequence change replaces leucine, which is neutral and non-polar, with phenylalanine, which is neutral and non-polar, at codon 443 of the NLRP1 protein (p.Leu443Phe).